The following is an entry in ClinVar:

NM_001358921.2(COQ2):c.46G>T (p.Val16Leu)

Genes: COQ2 (coenzyme Q2, polyprenyltransferase; minus strand), LOC112997540 (Sharpr-MPRA regulatory region 13773; plus strand). Cytogenetic location: 4q21.23.
Variant type: single nucleotide variant.
Coding change: c.46G>T on transcript NM_001358921.2 (MANE Select); coding-DNA position 46, G replaced by T.
Protein change: p.Val16Leu; replaces valine 16 with leucine.
Molecular consequence: missense variant.
Genome position (GRCh38, 1-based): chr4:83,284,719, C>A on the plus strand (G>T on the coding strand, the complement: COQ2 is on the minus strand). VCF-style: chr4-83284719-C-A. GRCh37 (hg19) VCF-style: chr4-84205872-C-A.
Other names: p.V66L:GTG>TTG; c.196G>T, p.Val66Leu (NM_015697.9); short protein forms V66L, V16L.
Identifiers: ClinVar variation 128828 (VCV000128828.38), dbSNP rs6818847, ClinGen allele CA288762.

ClinVar aggregate classification (germline): Benign. Review status: criteria provided, multiple submitters, no conflicts (2 of 4 stars). 15 submissions from 15 submitters: Benign (9). 6 of the submissions do not count toward it. Last evaluated 2026-02-04.

Conditions:
Coenzyme Q10 deficiency, primary, 1. Also called: UBIQUINONE DEFICIENCY 1; COENZYME Q DEFICIENCY 1; CoQ DEFICIENCY 1. Identifiers: Orphanet 255249, MedGen C3551954, MONDO:0011829, OMIM 607426.

Allele frequency attached by ClinVar (database versions not stated): TOPMed 0.61345; gnomAD 0.62431 and 0.63302; 1000 Genomes Project 30x 0.64397; 1000 Genomes Project 0.64976; ESP Exome Variant Server 0.68519; gnomAD exomes 0.69808 and 0.71634; ExAC 0.72489.
gnomAD v4.1: 1,041,140 of 1,506,450 alleles (69%); highest among the groups gnomAD compares: East Asian, 88%; 363,568 homozygotes.

Submissions (15):

Labcorp Genetics (formerly Invitae), Labcorp
Classification: Benign. Last evaluated: 2026-02-04. Review status: criteria provided, single submitter. Criteria: Invitae Variant Classification Sherloc (09022015). Collection method: clinical testing. Allele origin: germline.

Blueprint Genetics
Classification: Benign. Last evaluated: 2024-11-27. Review status: criteria provided, single submitter. Criteria: ACMG Guidelines, 2015. Collection method: clinical testing. Allele origin: germline.

Unidad de Genómica Garrahan, Hospital de Pediatría Garrahan
Classification: Benign. Last evaluated: 2024-07-15. Review status: criteria provided, single submitter. Criteria: ACMG Guidelines, 2015. Collection method: clinical testing. Allele origin: germline. Affected: no. Observed: 85 variant alleles.
Comment: This variant is classified as Benign based on local population frequency. This variant was detected in 91% of patients studied in a panel designed for Epileptic and Developmental Encephalopathy and Progressive Myoclonus Epilepsy. Number of patients: 85. Only high quality variants are reported.

ARUP Laboratories, Molecular Genetics and Genomics, ARUP Laboratories
Classification: Benign. Last evaluated: 2023-11-29. Review status: criteria provided, single submitter. Criteria: ARUP Molecular Germline Variant Investigation Process 2024. Collection method: clinical testing. Allele origin: germline.

Genome-Nilou Lab
Classification: Benign for Coenzyme Q10 deficiency, primary, 1. Last evaluated: 2021-07-30. Review status: criteria provided, single submitter. Criteria: ACMG Guidelines, 2015. Collection method: clinical testing. Allele origin: germline. Affected: no.

Eurofins Ntd Llc (ga)
Classification: Benign. Last evaluated: 2016-08-23. Review status: criteria provided, single submitter. Criteria: EGL Classification Definitions 2015. Collection method: clinical testing. Allele origin: germline. Observed: 2 variant alleles, 1 heterozygote, 1 homozygote.

GeneDx
Classification: Benign. Last evaluated: 2011-07-01. Review status: criteria provided, single submitter. Criteria: GeneDx Variant Classification (06012015). Collection method: clinical testing. Allele origin: germline. Affected: yes.
Comment: This variant is considered likely benign or benign based on one or more of the following criteria: it is a conservative change, it occurs at a poorly conserved position in the protein, it is predicted to be benign by multiple in silico algorithms, and/or has population frequency not consistent with disease.

Breakthrough Genomics
Classification: Benign. Review status: criteria provided, single submitter. Criteria: ACMG Guidelines, 2015. Collection method: not provided. Allele origin: germline. Inheritance: Autosomal recessive inheritance. Affected: yes.

PreventionGenetics, part of Exact Sciences
Classification: Benign. Review status: criteria provided, single submitter. Criteria: ACMG Guidelines, 2015. Collection method: clinical testing. Allele origin: germline.

Mayo Clinic Laboratories, Mayo Clinic
Classification: Benign. Last evaluated: 2016-02-11. Review status: no assertion criteria provided. Collection method: clinical testing. Allele origin: unknown. Not counted in ClinVar's aggregate classification.

Clinical Genetics, Academic Medical Center
Classification: Benign. Review status: no assertion criteria provided. Collection method: clinical testing. Allele origin: germline. Affected: yes. Study: VKGL Data-share Consensus. Not counted in ClinVar's aggregate classification.

Diagnostic Laboratory, Department of Genetics, University Medical Center Groningen
Classification: Benign for Coenzyme Q10 deficiency, primary, 1. Review status: no assertion criteria provided. Collection method: clinical testing. Allele origin: germline. Affected: yes. Study: VKGL Data-share Consensus. Not counted in ClinVar's aggregate classification.

Genetic Services Laboratory, University of Chicago
Classification: Likely benign for AllHighlyPenetrant. Review status: no assertion criteria provided. Collection method: clinical testing. Allele origin: germline. Inheritance: Autosomal recessive inheritance. Not counted in ClinVar's aggregate classification.
Comment: Likely benign based on allele frequency in 1000 Genomes Project or ESP global frequency and its presence in a patient with a rare or unrelated disease phenotype. NOT Sanger confirmed.

Genome Diagnostics Laboratory, Amsterdam University Medical Center
Classification: Benign. Review status: no assertion criteria provided. Collection method: clinical testing. Allele origin: germline. Affected: yes. Study: VKGL Data-share Consensus. Not counted in ClinVar's aggregate classification.

Genome Diagnostics Laboratory, University Medical Center Utrecht
Classification: Benign. Review status: no assertion criteria provided. Collection method: clinical testing. Allele origin: germline. Affected: yes. Study: VKGL Data-share Consensus. Not counted in ClinVar's aggregate classification.